The following is an entry in ClinVar:

ClinVar aggregate classification (germline): Uncertain significance (1 of 4 stars; one submission).

Conditions:
Developmental and epileptic encephalopathy, 23 (DEE23). Also called: Epileptic encephalopathy, early infantile, 23. Identifiers: Orphanet 411986, MedGen C4014492, MONDO:0014371, OMIM 615859.

Submission:

Labcorp Genetics (formerly Invitae), Labcorp
Classification: Uncertain significance for Developmental and epileptic encephalopathy, 23. Last evaluated: 2022-05-29. Review status: criteria provided, single submitter. Criteria: Invitae Variant Classification Sherloc (09022015). Collection method: clinical testing. Allele origin: germline.
Comment: In summary, the available evidence is currently insufficient to determine the role of this variant in disease. Therefore, it has been classified as a Variant of Uncertain Significance. This sequence change replaces lysine, which is basic and polar, with threonine, which is neutral and polar, at codon 1235 of the DOCK7 protein (p.Lys1235Thr). This variant is not present in population databases (gnomAD no frequency). This variant has not been reported in the literature in individuals affected with DOCK7-related conditions. Algorithms developed to predict the effect of missense changes on protein structure and function are either unavailable or do not agree on the potential impact of this missense change (SIFT: "Tolerated"; PolyPhen-2: "Possibly Damaging"; Align-GVGD: "Class C0").

NM_001367561.1(DOCK7):c.3704A>C (p.Lys1235Thr)

Gene: DOCK7 (dedicator of cytokinesis 7; minus strand). Cytogenetic location: 1p31.3.
Variant type: single nucleotide variant.
Coding change: c.3704A>C on transcript NM_001367561.1 (MANE Select); coding-DNA position 3704, A replaced by C.
Protein change: p.Lys1235Thr; replaces lysine 1235 with threonine.
Molecular consequence: missense variant.
Genome position (GRCh38, 1-based): chr1:62,529,354, T>G on the plus strand (A>C on the coding strand, the complement: DOCK7 is on the minus strand). VCF-style: chr1-62529354-T-G. GRCh37 (hg19) VCF-style: chr1-62995025-T-G.
Other names: c.3704A>C, p.Lys1235Thr (NM_001271999.2, NM_001330614.2); c.3611A>C, p.Lys1204Thr (NM_001272000.2, NM_001272001.2, NM_033407.4); short protein forms K1204T, K1235T.
Identifiers: ClinVar variation 2000711 (VCV002000711.4), dbSNP rs2524631731, ClinGen allele CA340600811.